The following is an entry in ClinVar:

NM_001430.5(EPAS1):c.1817C>G (p.Ser606Cys)

Gene: EPAS1 (endothelial PAS domain protein 1; plus strand). Cytogenetic location: 2p21.
Variant type: single nucleotide variant.
Coding change: c.1817C>G on transcript NM_001430.5 (MANE Select); coding-DNA position 1817, C replaced by G.
Protein change: p.Ser606Cys; replaces serine 606 with cysteine.
Molecular consequence: missense variant.
Genome position (GRCh38, 1-based): chr2:46,380,489, C>G. VCF-style: chr2-46380489-C-G. GRCh37 (hg19) VCF-style: chr2-46607628-C-G.
Other names: short protein forms S606C.
Identifiers: ClinVar variation 3221574 (VCV003221574.1), dbSNP rs2103673064, ClinGen allele CA346704944.

ClinVar aggregate classification (germline): Uncertain significance (1 of 4 stars; one submission).

Conditions:
Inborn genetic diseases. Identifiers: MedGen C0950123, MeSH D030342.

Allele frequency attached by ClinVar (database versions not stated): gnomAD exomes below 0.00001.
gnomAD v4.1: 1 of 1,614,204 alleles (0.000062%); highest among the groups gnomAD compares: Non-Finnish European, 0.000085%; no homozygotes.

Submission:

Ambry Genetics
Classification: Uncertain significance for Inborn genetic diseases. Last evaluated: 2024-03-07. Review status: criteria provided, single submitter. Criteria: Ambry Variant Classification Scheme 2023. Collection method: clinical testing. Allele origin: germline.
Comment: The p.S606C variant (also known as c.1817C>G), located in coding exon 12 of the EPAS1 gene, results from a C to G substitution at nucleotide position 1817. The serine at codon 606 is replaced by cysteine, an amino acid with dissimilar properties. This amino acid position is conserved. In addition, this alteration is predicted to be tolerated by in silico analysis. Based on the available evidence, the clinical significance of this alteration remains unclear.